The following is an entry in ClinVar:

NM_144997.7(FLCN):c.1352C>G (p.Pro451Arg)

Gene: FLCN (folliculin; minus strand). Cytogenetic location: 17p11.2.
Variant type: single nucleotide variant.
Coding change: c.1352C>G on transcript NM_144997.7 (MANE Select); coding-DNA position 1352, C replaced by G.
Protein change: p.Pro451Arg; replaces proline 451 with arginine.
Molecular consequence: missense variant.
Genome position (GRCh38, 1-based): chr17:17,215,265, G>C on the plus strand (C>G on the coding strand, the complement: FLCN is on the minus strand). VCF-style: chr17-17215265-G-C. GRCh37 (hg19) VCF-style: chr17-17118579-G-C.
Other names: c.1352C>G (NM_144997.5); c.1406C>G, p.Pro469Arg (NM_001353229.2); c.1352C>G, p.Pro451Arg (NM_001353230.2, NM_001353231.2); short protein forms P451R, P469R.
Identifiers: ClinVar variation 1023493 (VCV001023493.6), dbSNP rs2046880586, ClinGen allele CA398531382.

ClinVar aggregate classification (germline): Uncertain significance. Review status: criteria provided, multiple submitters, no conflicts (2 of 4 stars). 2 submissions from 2 submitters: Uncertain significance (2). Last evaluated 2025-02-03.

Conditions:
Hereditary cancer-predisposing syndrome. Also called: Hereditary neoplastic syndrome; Neoplastic Syndromes, Hereditary; Tumor predisposition; Hereditary Cancer Syndrome. Identifiers: Orphanet 140162, MedGen C0027672, MeSH D009386, MONDO:0015356.
Birt-Hogg-Dube syndrome. Also called: Birt Hogg Dubé syndrome. Identifiers: Orphanet 122, MedGen C0346010, MONDO:0800444.

Allele frequency attached by ClinVar (database versions not stated): TOPMed below 0.00001.

Submissions (2):

Ambry Genetics
Classification: Uncertain significance for Hereditary cancer-predisposing syndrome. Last evaluated: 2025-02-03. Review status: criteria provided, single submitter. Criteria: Ambry Variant Classification Scheme 2023. Collection method: clinical testing. Allele origin: germline.

Labcorp Genetics (formerly Invitae), Labcorp
Classification: Uncertain significance for Birt-Hogg-Dube syndrome. Last evaluated: 2023-06-13. Review status: criteria provided, single submitter. Criteria: Invitae Variant Classification Sherloc (09022015). Collection method: clinical testing. Allele origin: germline.
Comment: This sequence change replaces proline, which is neutral and non-polar, with arginine, which is basic and polar, at codon 451 of the FLCN protein (p.Pro451Arg). In summary, the available evidence is currently insufficient to determine the role of this variant in disease. Therefore, it has been classified as a Variant of Uncertain Significance. Advanced modeling of protein sequence and biophysical properties (such as structural, functional, and spatial information, amino acid conservation, physicochemical variation, residue mobility, and thermodynamic stability) performed at Invitae indicates that this missense variant is not expected to disrupt FLCN protein function. ClinVar contains an entry for this variant (Variation ID: 1023493). This variant has not been reported in the literature in individuals affected with FLCN-related conditions. This variant is not present in population databases (gnomAD no frequency).